The following is an entry in ClinVar:

NM_021614.4(KCNN2):c.25C>G (p.Arg9Gly)

Gene: KCNN2 (potassium calcium-activated channel subfamily N member 2; plus strand). Cytogenetic location: 5q22.3.
Variant type: single nucleotide variant.
Coding change: c.25C>G on transcript NM_021614.4 (MANE Select); coding-DNA position 25, C replaced by G.
Protein change: p.Arg9Gly; replaces arginine 9 with glycine.
Molecular consequence: missense variant. On other transcripts: non-coding transcript variant (1).
Genome position (GRCh38, 1-based): chr5:114,362,164, C>G. VCF-style: chr5-114362164-C-G. GRCh37 (hg19) VCF-style: chr5-113697861-C-G.
Other names: c.223C>G, p.Arg75Gly (NM_001372233.1); short protein forms R75G, R9G.
Identifiers: ClinVar variation 4281167 (VCV004281167.7).

ClinVar aggregate classification (germline): Uncertain significance (1 of 4 stars; one submission).

Submission:

CeGaT Center for Human Genetics Tuebingen
Classification: Uncertain significance. Last evaluated: 2025-09-01. Review status: criteria provided, single submitter. Criteria: CeGaT Center For Human Genetics Tuebingen Variant Classification Criteria Version 2. Collection method: clinical testing. Allele origin: germline. Affected: yes. Observed: 1 variant allele.
Comment: KCNN2: PM2